The following is an entry in ClinVar:

ClinVar aggregate classification (germline): Uncertain significance (1 of 4 stars; one submission).

Conditions:
Jeffries-Lakhani neurodevelopmental syndrome. Identifiers: MedGen C5935596, MONDO:0958329, OMIM 620771.

Submission:

Broad Center for Mendelian Genomics, Broad Institute of MIT and Harvard
Classification: Uncertain significance for Jeffries-Lakhani neurodevelopmental syndrome. Last evaluated: 2024-11-26. Review status: criteria provided, single submitter. Criteria: ACMG Guidelines, 2015. Collection method: curation. Allele origin: germline. Inheritance: Autosomal recessive inheritance. Study: GREGoR Consortium.
Comment: Trio exome analysis revealed that this variant was in trans with the other variant. The p.Met369Val variant in CRELD1 has not been previously reported in the literature in individuals with neuromuscular disease, but has been identified in 0.03% (10/29604) of Ashkenazi Jewish chromosomes by the Genome Aggregation Database (gnomAD; dbSNP rs775391029). Although this variant has been seen in the general population in a heterozygous state, its frequency is not high enough to rule out a pathogenic role. Animal models in tadpoles have shown that this variant causes Jeffries-Lakhani neurodevelopmental syndrome (PMID: 37947183}. Computational prediction tools and conservation analyses do not provide strong support for or against an impact to the protein. In summary, the clinical significance of the p.Met369Val variant is uncertain. ACMG/AMP Criteria applied: PS3_moderate (Richards 2015).

Literature cited by the submitters: PubMed 37947183.

NM_001077415.3(CRELD1):c.1105A>G (p.Met369Val)

Gene: CRELD1 (cysteine rich with EGF like domains 1; plus strand). Cytogenetic location: 3p25.3.
Variant type: single nucleotide variant.
Coding change: c.1105A>G on transcript NM_001077415.3 (MANE Select); coding-DNA position 1105, A replaced by G.
Protein change: p.Met369Val; replaces methionine 369 with valine.
Molecular consequence: missense variant. On other transcripts: 3 prime UTR variant (4), non-coding transcript variant (3).
Genome position (GRCh38, 1-based): chr3:9,944,421, A>G. VCF-style: chr3-9944421-A-G. GRCh37 (hg19) VCF-style: chr3-9986105-A-G.
Other names: NR_164477.1:n.1483A>G; c.*30A>G (NM_001031717.4, NM_001374317.1, NM_001374318.1); c.1105A>G, p.Met369Val (NM_001374316.1, NM_015513.6); c.1021A>G, p.Met341Val (NM_001374319.1, NM_001374320.1); c.*670A>G (NM_001410713.1); short protein forms M341V, M369V.
Identifiers: ClinVar variation 3383320 (VCV003383320.1).
Genomic context (GRCh38, chr3:9,944,421, plus strand): 5'-GCAGAGTCAGCAGGCTTCTTCTCAGAGATGACAGAAGACGAGTTGGTGGTGCTGCAGCAG[A>G]TGTTCTTTGGCATCATCATCTGTGCACTGGCCACGCTGGCTGCTAAGGGCGACTTGGTGT-3'
Protein context (NP_001070883.2, residues 359-379): TEDELVVLQQ[Met369Val]FFGIIICALA